The following is an entry in ClinVar:

NM_001395656.1(ROBO2):c.2444G>A (p.Arg815Gln)

Gene: ROBO2 (roundabout guidance receptor 2; plus strand). Cytogenetic location: 3p12.3.
Variant type: single nucleotide variant.
Coding change: c.2444G>A on transcript NM_001395656.1 (MANE Select); coding-DNA position 2444, G replaced by A.
Protein change: p.Arg815Gln; replaces arginine 815 with glutamine.
Molecular consequence: missense variant.
Genome position (GRCh38, 1-based): chr3:77,580,050, G>A. VCF-style: chr3-77580050-G-A. GRCh37 (hg19) VCF-style: chr3-77629201-G-A.
Other names: c.2480G>A, p.Arg827Gln (NM_001128929.3); c.2444G>A, p.Arg815Gln (NM_001290039.2, NM_001290040.2, NM_001378202.1); c.653G>A, p.Arg218Gln (NM_001290065.2); c.2492G>A, p.Arg831Gln (NM_001378190.1, NM_001378191.1, NM_001378195.1 and 4 more transcripts); c.2513G>A, p.Arg838Gln (NM_001378192.1, NM_001378194.1, NM_001378198.1 and 2 more transcripts); c.2432G>A, p.Arg811Gln (NM_001378193.1, NM_001378197.1, NM_002942.5); c.2501G>A, p.Arg834Gln (NM_001394212.1, NM_001394214.1, NM_001395657.1); short protein forms R811Q, R827Q, R815Q, R218Q, R831Q, R834Q, R838Q.
Identifiers: ClinVar variation 346700 (VCV000346700.12), dbSNP rs199675194, ClinGen allele CA2497329.

ClinVar aggregate classification (germline): Benign/Likely benign. Review status: criteria provided, multiple submitters, no conflicts (2 of 4 stars). 2 submissions from 2 submitters: Benign (1); Likely benign (1). Last evaluated 2025-06-12.

Conditions:
Vesicoureteral reflux 2 (VUR2). Identifiers: Orphanet 289365, MedGen C1970483, MONDO:0012573, OMIM 610878.

Allele frequency attached by ClinVar (database versions not stated): gnomAD exomes 0.00006 and 0.00010; ExAC 0.00007; 1000 Genomes Project 30x 0.00016; gnomAD 0.00017; 1000 Genomes Project 0.00020; TOPMed 0.00020; ESP Exome Variant Server 0.00025.
gnomAD v4.1: 180 of 1,613,530 alleles (0.011%); highest among the groups gnomAD compares: African/African-American, 0.033%; no homozygotes.

Submissions (2):

Labcorp Genetics (formerly Invitae), Labcorp
Classification: Likely benign. Last evaluated: 2025-06-12. Review status: criteria provided, single submitter. Criteria: Invitae Variant Classification Sherloc (09022015). Collection method: clinical testing. Allele origin: germline.

Illumina Laboratory Services, Illumina
Classification: Benign for Vesicoureteral reflux 2. Last evaluated: 2018-01-13. Review status: criteria provided, single submitter. Criteria: ICSL Variant Classification Criteria 13 December 2019. Collection method: clinical testing. Allele origin: germline.
Comment: This variant was observed in the ICSL laboratory as part of a predisposition screen in an ostensibly healthy population. It had not been previously curated by ICSL or reported in the Human Gene Mutation Database (HGMD: prior to June 1st, 2018), and was therefore a candidate for classification through an automated scoring system. Utilizing variant allele frequency, disease prevalence and penetrance estimates, and inheritance mode, an automated score was calculated to assess if this variant is too frequent to cause the disease. Based on the score and internal cut-off values, a variant classified as benign is not then subjected to further curation. The score for this variant resulted in a classification of benign for this disease.